The following is an entry in ClinVar:

ClinVar aggregate classification (germline): Uncertain significance (1 of 4 stars; one submission).

Conditions:
Hereditary cancer-predisposing syndrome. Also called: Neoplastic Syndromes, Hereditary; Tumor predisposition; Hereditary Cancer Syndrome; Hereditary neoplastic syndrome. Identifiers: Orphanet 140162, MedGen C0027672, MeSH D009386, MONDO:0015356.

Submission:

Ambry Genetics
Classification: Uncertain significance for Hereditary cancer-predisposing syndrome. Last evaluated: 2025-10-23. Review status: criteria provided, single submitter. Criteria: Ambry Variant Classification Scheme 2023. Collection method: clinical testing. Allele origin: germline.
Comment: The p.P392L variant (also known as c.1175C>T), located in coding exon 10 of the POT1 gene, results from a C to T substitution at nucleotide position 1175. The proline at codon 392 is replaced by leucine, an amino acid with similar properties. This amino acid position is conserved. In addition, this alteration is predicted to be tolerated by in silico analysis. Based on the available evidence, the clinical significance of this variant remains unclear.

NM_015450.3(POT1):c.1175C>T (p.Pro392Leu)

Gene: POT1 (protection of telomeres 1; minus strand). Cytogenetic location: 7q31.33.
Variant type: single nucleotide variant.
Coding change: c.1175C>T on transcript NM_015450.3 (MANE Select); coding-DNA position 1175, C replaced by T.
Protein change: p.Pro392Leu; replaces proline 392 with leucine.
Molecular consequence: missense variant. On other transcripts: non-coding transcript variant (3).
Genome position (GRCh38, 1-based): chr7:124,841,167, G>A on the plus strand (C>T on the coding strand, the complement: POT1 is on the minus strand). VCF-style: chr7-124841167-G-A. GRCh37 (hg19) VCF-style: chr7-124481221-G-A.
Other names: c.782C>T, p.Pro261Leu (NM_001042594.2); short protein forms P392L, P261L.
Identifiers: ClinVar variation 4673663 (VCV004673663.1).